The following is an entry in ClinVar:

ClinVar aggregate classification (germline): Uncertain significance (1 of 4 stars; one submission).

Conditions:
Progressive myoclonic epilepsy type 9. Identifiers: Orphanet 457265, MedGen C4225289, MONDO:0014685, OMIM 616540.
Lipodystrophy, partial, acquired, susceptibility to (APLD). Also called: APLD, SUSCEPTIBILITY TO. Identifiers: MedGen C3887501, MONDO:0100476, OMIM 608709.

Allele frequency attached by ClinVar (database versions not stated): gnomAD exomes below 0.00001; ExAC 0.00001.

Submission:

Labcorp Genetics (formerly Invitae), Labcorp
Classification: Uncertain significance for Progressive myoclonic epilepsy type 9; Lipodystrophy, partial, acquired, susceptibility to. Last evaluated: 2025-08-31. Review status: criteria provided, single submitter. Criteria: Invitae Variant Classification Sherloc (09022015). Collection method: clinical testing. Allele origin: germline.
Comment: This sequence change replaces valine, which is neutral and non-polar, with methionine, which is neutral and non-polar, at codon 161 of the LMNB2 protein (p.Val161Met). This variant is present in population databases (rs752878483, gnomAD 0.0009%). This variant has not been reported in the literature in individuals affected with LMNB2-related conditions. ClinVar contains an entry for this variant (Variation ID: 2050187). Invitae Evidence Modeling of protein sequence and biophysical properties (such as structural, functional, and spatial information, amino acid conservation, physicochemical variation, residue mobility, and thermodynamic stability) indicates that this missense variant is expected to disrupt LMNB2 protein function with a positive predictive value of 80%. In summary, the available evidence is currently insufficient to determine the role of this variant in disease. Therefore, it has been classified as a Variant of Uncertain Significance.

NM_032737.4(LMNB2):c.481G>A (p.Val161Met)

Gene: LMNB2 (lamin B2; minus strand). Cytogenetic location: 19p13.3.
Variant type: single nucleotide variant.
Coding change: c.481G>A on transcript NM_032737.4 (MANE Select); coding-DNA position 481, G replaced by A.
Protein change: p.Val161Met; replaces valine 161 with methionine.
Molecular consequence: missense variant.
Genome position (GRCh38, 1-based): chr19:2,438,452, C>T on the plus strand (G>A on the coding strand, the complement: LMNB2 is on the minus strand). VCF-style: chr19-2438452-C-T. GRCh37 (hg19) VCF-style: chr19-2438450-C-T.
Other names: short protein forms V161M.
Identifiers: ClinVar variation 2050187 (VCV002050187.4), dbSNP rs752878483, ClinGen allele CA9067879.